The following is an entry in ClinVar:

ClinVar aggregate classification (germline): Uncertain significance. Review status: criteria provided, multiple submitters, no conflicts (2 of 4 stars). 2 submissions from 2 submitters: Uncertain significance (2). Last evaluated 2025-10-02.

Conditions:
Atypical hemolytic-uremic syndrome. Identifiers: Orphanet 2134, MedGen C2931788, MONDO:0016244.

gnomAD v4.1: 1 of 1,576,388 alleles (0.000063%); highest among the groups gnomAD compares: Non-Finnish European, 0.000087%; no homozygotes.

Submissions (2):

Genomenon, Inc
Classification: Uncertain significance for Atypical hemolytic-uremic syndrome. Last evaluated: 2025-10-02. Review status: criteria provided, single submitter. Criteria: Genomenon Sequence Variant Interpretation Standards. Collection method: curation. Allele origin: germline. Affected: yes.
Comment: CD46 p.Gly135Asp (c.404G>A) is a missense variant that changes the amino acid at residue 135 from Glycine to Aspartic acid. This variant has been observed in at least one proband affected with atypical hemolytic-uremic syndrome (PMID:34169201;32424742;21706448). The variant was found to segregate with disease in at least one affected family (PMID:21706448). It is absent or not present at a significant frequency in gnomAD. In conclusion, we classify CD46 p.Gly135Asp (c.404G>A) as a variant of uncertain significance.

Mayo Clinic Laboratories, Mayo Clinic
Classification: Uncertain significance. Last evaluated: 2025-07-31. Review status: criteria provided, single submitter. Criteria: ACMG Guidelines, 2015. Collection method: clinical testing. Allele origin: germline. Observed: 1 variant allele.
Comment: PM2_supporting, PS4_moderate

Literature cited by the submitters: PubMed 34169201 (cited by Genomenon, Inc and Mayo Clinic Laboratories, Mayo Clinic); PubMed 32424742 (cited by Genomenon, Inc and Mayo Clinic Laboratories, Mayo Clinic); PubMed 21706448 (cited by Genomenon, Inc and Mayo Clinic Laboratories, Mayo Clinic).

NM_172351.3(CD46):c.404G>A (p.Gly135Asp)

Gene: CD46 (CD46 molecule; plus strand). Cytogenetic location: 1q32.2.
Variant type: single nucleotide variant.
Coding change: c.404G>A on transcript NM_172351.3 (MANE Select); coding-DNA position 404, G replaced by A.
Protein change: p.Gly135Asp; replaces glycine 135 with aspartic acid.
Molecular consequence: missense variant.
Genome position (GRCh38, 1-based): chr1:207,759,653, G>A. VCF-style: chr1-207759653-G-A. GRCh37 (hg19) VCF-style: chr1-207932998-G-A.
Other names: p.Gly135Asp; c.404G>A, p.Gly135Asp (NM_002389.4, NM_153826.4, NM_172350.3 and 8 more transcripts); short protein forms G135D.
Identifiers: ClinVar variation 4291266 (VCV004291266.2).